The following is an entry in ClinVar:

NM_015346.4(ZFYVE26):c.6159+3G>A

Gene: ZFYVE26 (zinc finger FYVE-type containing 26; minus strand). Cytogenetic location: 14q24.1.
Variant type: single nucleotide variant.
Coding change: c.6159+3G>A on transcript NM_015346.4 (MANE Select); 3 bases into the intron after coding-DNA position 6159, G replaced by A.
Molecular consequence: intron variant.
Genome position (GRCh38, 1-based): chr14:67,762,669, C>T on the plus strand (G>A on the coding strand, the complement: ZFYVE26 is on the minus strand). VCF-style: chr14-67762669-C-T. GRCh37 (hg19) VCF-style: chr14-68229386-C-T.
Identifiers: ClinVar variation 2017384 (VCV002017384.1), dbSNP rs1282368188, ClinGen allele CA615188555.

ClinVar aggregate classification (germline): Uncertain significance (1 of 4 stars; one submission).

Conditions:
Spastic paraplegia. Identifiers: MedGen C0037772, HP:0001258.

Allele frequency attached by ClinVar (database versions not stated): TOPMed 0.00001; gnomAD 0.00002; gnomAD exomes 0.00003.

Submission:

Labcorp Genetics (formerly Invitae), Labcorp
Classification: Uncertain significance for Spastic paraplegia. Last evaluated: 2021-10-08. Review status: criteria provided, single submitter. Criteria: Invitae Variant Classification Sherloc (09022015). Collection method: clinical testing. Allele origin: germline.
Comment: This sequence change falls in intron 33 of the ZFYVE26 gene. It does not directly change the encoded amino acid sequence of the ZFYVE26 protein. It affects a nucleotide within the consensus splice site. This variant is not present in population databases (ExAC no frequency). This variant has not been reported in the literature in individuals affected with ZFYVE26-related conditions. Variants that disrupt the consensus splice site are a relatively common cause of aberrant splicing (PMID: 17576681, 9536098). Algorithms developed to predict the effect of sequence changes on RNA splicing suggest that this variant is not likely to affect RNA splicing. In summary, the available evidence is currently insufficient to determine the role of this variant in disease. Therefore, it has been classified as a Variant of Uncertain Significance.

Literature cited by the submitters: PubMed 17576681; PubMed 9536098.